The following is an entry in ClinVar:

NM_006904.7(PRKDC):c.1670G>A (p.Ser557Asn)

Gene: PRKDC (protein kinase, DNA-activated, catalytic subunit; minus strand). Cytogenetic location: 8q11.21.
Variant type: single nucleotide variant.
Coding change: c.1670G>A on transcript NM_006904.7 (MANE Select); coding-DNA position 1670, G replaced by A.
Protein change: p.Ser557Asn; replaces serine 557 with asparagine.
Molecular consequence: missense variant.
Genome position (GRCh38, 1-based): chr8:47,933,126, C>T on the plus strand (G>A on the coding strand, the complement: PRKDC is on the minus strand). VCF-style: chr8-47933126-C-T. GRCh37 (hg19) VCF-style: chr8-48845686-C-T.
Other names: c.1670G>A, p.Ser557Asn (NM_001081640.2); short protein forms S557N.
Identifiers: ClinVar variation 1777679 (VCV001777679.2), dbSNP rs1302786212, ClinGen allele CA371165127.
Genomic context (GRCh38, chr8:47,933,126, plus strand): 5'-TCAACAATCTTCAAAACGGATTTTACAAATTCATCATAAAGTAAATGATTCAGACTTTCA[C>T]TGGAGGAATTCACAGAGAAAAATGCTTCATCTGCTAAAATAGAATCCTTTAAATAAAGAA-3'
Protein context (NP_008835.5, residues 547-567): DEAFFSVNSS[Ser557Asn]ESLNHLLYDE

ClinVar aggregate classification (germline): Uncertain significance (1 of 4 stars; one submission).

gnomAD v4.1: 2 of 1,561,440 alleles (0.00013%); highest among the groups gnomAD compares: African/African-American, 0.0014%; no homozygotes.

Submission:

Ambry Genetics
Classification: Uncertain significance. Last evaluated: 2021-09-15. Review status: criteria provided, single submitter. Criteria: Ambry Variant Classification Scheme 2023. Collection method: clinical testing. Allele origin: germline.
Comment: The p.S557N variant (also known as c.1670G>A), located in coding exon 16 of the PRKDC gene, results from a G to A substitution at nucleotide position 1670. The serine at codon 557 is replaced by asparagine, an amino acid with highly similar properties. This amino acid position is conserved. In addition, this alteration is predicted to be tolerated by in silico analysis. Since supporting evidence is limited at this time, the clinical significance of this alteration remains unclear.